The following is an entry in ClinVar:

NM_001754.5(RUNX1):c.718C>T (p.Pro240Ser)

Gene: RUNX1 (RUNX family transcription factor 1; minus strand). Cytogenetic location: 21q22.12.
Variant type: single nucleotide variant.
Coding change: c.718C>T on transcript NM_001754.5 (MANE Select); coding-DNA position 718, C replaced by T.
Protein change: p.Pro240Ser; replaces proline 240 with serine.
Molecular consequence: missense variant.
Genome position (GRCh38, 1-based): chr21:34,834,497, G>A on the plus strand (C>T on the coding strand, the complement: RUNX1 is on the minus strand). VCF-style: chr21-34834497-G-A. GRCh37 (hg19) VCF-style: chr21-36206794-G-A.
Other names: NM_001754.5(RUNX1):c.718C>T; p.Pro240Ser; c.637C>T, p.Pro213Ser (NM_001001890.3, NM_001122607.2); short protein forms P240S, P213S.
Identifiers: ClinVar variation 1433502 (VCV001433502.9), dbSNP rs1569037137, ClinGen allele CA410206832.

ClinVar aggregate classification (germline): Uncertain significance. Review status: reviewed by expert panel (3 of 4 stars). 2 submissions from 2 submitters: Uncertain significance (1). 1 of the submissions does not count toward it. Last evaluated 2025-01-15.

Conditions:
Hereditary thrombocytopenia and hematologic cancer predisposition syndrome. Identifiers: Orphanet 71290, MedGen CN281654, MONDO:0011071.
Hereditary thrombocytopenia and hematological cancer predisposition syndrome associated with RUNX1. Also called: Familial Platelet Disorder with Propensity to Acute Myelogenous Leukemia; Familial thrombocytopenia with propensity to acute myelogenous leukemia; RUNX1 Familial Platelet Disorder with Associated Myeloid Malignancies; PLATELET DISORDER, ASPIRIN-LIKE. Identifiers: Orphanet 71290, MedGen C1832388, MeSH C563324, MONDO:0100083, OMIM 601399.

Submissions (2):

ClinGen Myeloid Malignancy Variant Curation Expert Panel
Classification: Uncertain significance for Hereditary thrombocytopenia and hematologic cancer predisposition syndrome. Last evaluated: 2025-01-15. Review status: reviewed by expert panel. Criteria: ClinGen MyeloMalig ACMG Specifications v2. Collection method: curation. Allele origin: germline. Inheritance: Autosomal dominant inheritance.
Comment: NM_001754.5(RUNX1):c.718C>T (p.Pro240Ser) is a missense variant which is completely absent from all population databases with at least 20x coverage for RUNX1 (PM2_Supporting). In summary, the clinical significance of this variant is uncertain. ACMG/AMP criteria applied, as specified by the Myeloid Malignancy Variant Curation Expert Panel for RUNX1: PM2_supporting.

Labcorp Genetics (formerly Invitae), Labcorp
Classification: Uncertain significance for Hereditary thrombocytopenia and hematological cancer predisposition syndrome associated with RUNX1. Last evaluated: 2021-05-07. Review status: criteria provided, single submitter. Criteria: Invitae Variant Classification Sherloc (09022015). Collection method: clinical testing. Allele origin: germline. Not counted in ClinVar's aggregate classification.
Comment: This sequence change replaces proline with serine at codon 240 of the RUNX1 protein (p.Pro240Ser). The proline residue is moderately conserved and there is a moderate physicochemical difference between proline and serine. In summary, the available evidence is currently insufficient to determine the role of this variant in disease. Therefore, it has been classified as a Variant of Uncertain Significance. Algorithms developed to predict the effect of missense changes on protein structure and function are either unavailable or do not agree on the potential impact of this missense change (SIFT: "Tolerated"; PolyPhen-2: "Probably Damaging"; Align-GVGD: "Class C0"). This variant has not been reported in the literature in individuals with RUNX1-related conditions. This variant is not present in population databases (ExAC no frequency).